The following is an entry in ClinVar:

NM_000051.4(ATM):c.3419A>C (p.Asn1140Thr)

Gene: ATM (ATM serine/threonine kinase; plus strand). Cytogenetic location: 11q22.3.
Variant type: single nucleotide variant.
Coding change: c.3419A>C on transcript NM_000051.4 (MANE Select); coding-DNA position 3419, A replaced by C.
Protein change: p.Asn1140Thr; replaces asparagine 1140 with threonine.
Molecular consequence: missense variant.
Genome position (GRCh38, 1-based): chr11:108,281,011, A>C. VCF-style: chr11-108281011-A-C. GRCh37 (hg19) VCF-style: chr11-108151738-A-C.
Other names: c.3419A>C, p.Asn1140Thr (NM_001351834.2); short protein forms N1140T.
Identifiers: ClinVar variation 925649 (VCV000925649.4), dbSNP rs2082203374, ClinGen allele CA382518947.
Genomic context (GRCh38, chr11:108,281,011, plus strand): 5'-CATTTACATTTTACATTACATTTTTTTTTTAATTTCTTTTTAAGTCCCATAGTGCTGAGA[A>C]CCCTGAAACTTTGGATGAAATTTATAATAGAAAATCTGTTTTACTGACGTTGATAGCTGT-3'
Protein context (NP_000042.3, residues 1130-1150): GMREMSHSAE[Asn1140Thr]PETLDEIYNR

ClinVar aggregate classification (germline): Uncertain significance (1 of 4 stars; one submission).

Conditions:
Hereditary cancer-predisposing syndrome. Also called: Neoplastic Syndromes, Hereditary; Tumor predisposition; Hereditary Cancer Syndrome; Hereditary neoplastic syndrome. Identifiers: Orphanet 140162, MedGen C0027672, MeSH D009386, MONDO:0015356.

Submission:

Color Diagnostics, LLC DBA Color Health
Classification: Uncertain significance for Hereditary cancer-predisposing syndrome. Last evaluated: 2023-12-05. Review status: criteria provided, single submitter. Criteria: ACMG Guidelines, 2015. Collection method: clinical testing. Allele origin: germline.
Comment: This missense variant replaces asparagine with threonine at codon 1140 of the ATM protein. Computational prediction suggests that this variant may not impact protein structure and function (internally defined REVEL score threshold <= 0.5, PMID: 27666373). To our knowledge, functional studies have not been reported for this variant. This variant has not been reported in individuals affected with ATM-related disorders in the literature. This variant has not been identified in the general population by the Genome Aggregation Database (gnomAD). The available evidence is insufficient to determine the role of this variant in disease conclusively. Therefore, this variant is classified as a Variant of Uncertain Significance.